The following is an entry in ClinVar:

ClinVar aggregate classification (germline): Benign (1 of 4 stars; one submission).

Conditions:
Familial cancer of breast. Also called: Hereditary breast cancer; BREAST CANCER, FAMILIAL; hereditary breast carcinoma. Identifiers: Orphanet 227535, MedGen C0346153, MONDO:0016419, OMIM 114480. Disease mechanism: loss of function.

Submission:

Myriad Genetics, Inc.
Classification: Benign for Familial cancer of breast. Last evaluated: 2024-10-07. Review status: criteria provided, single submitter. Criteria: Myriad Autosomal Dominant, Autosomal Recessive and X-Linked Classification Criteria (2023). Collection method: clinical testing. Allele origin: unknown.
Comment: This variant is considered benign. This variant is a silent/synonymous amino acid change and it is not expected to impact splicing.

NM_007194.4(CHEK2):c.1224G>T (p.Val408=)

Gene: CHEK2 (checkpoint kinase 2; minus strand). Cytogenetic location: 22q12.1.
Variant type: single nucleotide variant.
Coding change: c.1224G>T on transcript NM_007194.4 (MANE Select); coding-DNA position 1224, G replaced by T.
Protein change: p.Val408=; no amino-acid change (valine 408 retained).
Molecular consequence: synonymous variant.
Genome position (GRCh38, 1-based): chr22:28,695,745, C>A on the plus strand (G>T on the coding strand, the complement: CHEK2 is on the minus strand). VCF-style: chr22-28695745-C-A. GRCh37 (hg19) VCF-style: chr22-29091733-C-A.
Other names: c.1353G>T, p.Val451= (NM_001005735.3); c.561G>T, p.Val187= (NM_001257387.3); c.1023G>T, p.Val341= (NM_001349956.3); c.1137G>T, p.Val379= (NM_145862.3).
Identifiers: ClinVar variation 3773621 (VCV003773621.1).